The following is an entry in ClinVar:

ClinVar aggregate classification (germline): Uncertain significance (0 of 4 stars; one submission).

Conditions:
TRPC5-related disorder. Also called: TRPC5-related condition.

gnomAD v4.1: 23 of 1,209,179 alleles (0.0019%); highest among the groups gnomAD compares: Non-Finnish European, 0.0026%; no homozygotes.

Submission:

PreventionGenetics, part of Exact Sciences
Classification: Uncertain significance for TRPC5-related condition. Last evaluated: 2024-07-17. Review status: no assertion criteria provided. Collection method: clinical testing. Allele origin: germline.
Comment: The TRPC5 c.544G>C variant is predicted to result in the amino acid substitution p.Val182Leu. To our knowledge, this variant has not been reported in the literature. This variant is reported in 0.0012% of alleles in individuals of European (Non-Finnish) descent in gnomAD. At this time, the clinical significance of this variant is uncertain due to the absence of conclusive functional and genetic evidence.

NM_012471.3(TRPC5):c.544G>C (p.Val182Leu)

Gene: TRPC5 (transient receptor potential cation channel subfamily C member 5; minus strand). Cytogenetic location: Xq23.
Variant type: single nucleotide variant.
Coding change: c.544G>C on transcript NM_012471.3 (MANE Select); coding-DNA position 544, G replaced by C.
Protein change: p.Val182Leu; replaces valine 182 with leucine.
Molecular consequence: missense variant.
Genome position (GRCh38, 1-based): chrX:111,912,647, C>G on the plus strand (G>C on the coding strand, the complement: TRPC5 is on the minus strand). VCF-style: chrX-111912647-C-G. GRCh37 (hg19) VCF-style: chrX-111155875-C-G.
Other names: short protein forms V182L.
Identifiers: ClinVar variation 3357688 (VCV003357688.1).